The following is an entry in ClinVar:

ClinVar aggregate classification (germline): Benign. Review status: criteria provided, multiple submitters, no conflicts (2 of 4 stars). 6 submissions from 6 submitters: Benign (5). 1 of the submissions does not count toward it. Last evaluated 2026-02-02.

Conditions:
Autosomal dominant polycystic kidney disease. Identifiers: Orphanet 730, MedGen C0085413, MONDO:0004691.
Polycystic kidney disease 2 (PKD2). Also called: Polycystic Kidney Disease 2, Autosomal Dominant; POLYCYSTIC KIDNEY DISEASE, ADULT, TYPE II; POLYCYSTIC KIDNEY DISEASE 2 WITH OR WITHOUT POLYCYSTIC LIVER DISEASE. Identifiers: MedGen C2751306, MONDO:0013131, OMIM 613095.
Polycystic kidney disease. Also called: Polycystic kidney dysplasia; Kidney, Polycystic. Identifiers: MedGen C0022680, MeSH D007690, MONDO:0020642, HP:0000113.

Allele frequency attached by ClinVar (database versions not stated): 1000 Genomes Project 0.01138; 1000 Genomes Project 30x 0.01140; ESP Exome Variant Server 0.01369; TOPMed 0.01777; gnomAD 0.01932 and 0.01951; gnomAD exomes 0.02277; ExAC 0.02750.
gnomAD v4.1: 28,768 of 1,219,848 alleles (2.4%); highest among the groups gnomAD compares: Admixed American, 2.9%; 448 homozygotes.

Submissions (6):

Labcorp Genetics (formerly Invitae), Labcorp
Classification: Benign for Autosomal dominant polycystic kidney disease. Last evaluated: 2026-02-02. Review status: criteria provided, single submitter. Criteria: Invitae Variant Classification Sherloc (09022015). Collection method: clinical testing. Allele origin: germline.

Blueprint Genetics
Classification: Benign. Last evaluated: 2024-11-26. Review status: criteria provided, single submitter. Criteria: ACMG Guidelines, 2015. Collection method: clinical testing. Allele origin: germline.

ARUP Laboratories, Molecular Genetics and Genomics, ARUP Laboratories
Classification: Benign for Polycystic kidney disease 2. Last evaluated: 2020-03-20. Review status: criteria provided, single submitter. Criteria: ARUP Molecular Germline Variant Investigation Process. Collection method: clinical testing. Allele origin: germline.

Breakthrough Genomics
Classification: Benign. Review status: criteria provided, single submitter. Criteria: ACMG Guidelines, 2015. Collection method: not provided. Allele origin: germline. Inheritance: Autosomal dominant inheritance. Affected: yes.

PreventionGenetics, part of Exact Sciences
Classification: Benign. Review status: criteria provided, single submitter. Criteria: ACMG Guidelines, 2015. Collection method: clinical testing. Allele origin: germline.

Department of Pathology and Laboratory Medicine, Sinai Health System
Classification: Benign for Polycystic Kidney disease. Review status: no assertion criteria provided. Collection method: clinical testing. Allele origin: unknown. Affected: yes. Study: The Canadian Open Genetics Repository (COGR). Not counted in ClinVar's aggregate classification.
Comment: The PKD2 c.596-16C>T variant was identified in 25 of 510 proband chromosomes (frequency: 0.049) from individuals or families with ADPKD (Rossetti 2012, Tan 2009). The variant was also identified in dbSNP (ID: rs62310565) and ADPKD Mutation Database (classified as likely neutral). This variant was identified in the 1000 Genomes Project in 57 of 5000 chromosomes (frequency: 0.0114), NHLBI GO Exome Sequencing Project in 167 of 8598 European American and in 11 of 4404 African American alleles; Exome Aggregation Consortium database (March 14, 2016) in 2582 (38 homozygous) of 93876 chromosomes (freq. 0.0275) in the following populations: European in 1502 of 51240 chromosomes (freq. 0.029), South Asian in 430 of 13452 chromosomes (freq. 0.032), Latino in 403 of 10172 chromosomes (freq. 0.04), Finnish in 192 of 5714 chromosomes (freq. 0.034), African in 30 of 7354 chromosomes (freq. 0.004), East Asian in 4 of 5172 chromosomes (freq. 0.001), Other in 21 of 772 chromosomes (freq. 0.027), although this low number of observations and low frequency is not substantive enough to determine the prevalence of the variant in the general population and its relationship to disease.The c.596-16C>T variant is located in the 3' splice region but does not affect the invariant -1 and -2 positions. However, positions -3 and -5 to -12 are part of the splicing consensus sequence and variants involving these positions sometimes affect splicing. In addition, in silico or computational prediction software programs (SpliceSiteFinder, MaxEntScan, NNSPLICE, GeneSplicer, HumanSpliceFinder) do not predict a difference in splicing. In summary, based on the above information, this variant meets our laboratory criteria to be classified as benign.

NM_000297.4(PKD2):c.596-16C>T

Gene: PKD2 (polycystin 2, transient receptor potential cation channel; plus strand). Cytogenetic location: 4q22.1.
Variant type: single nucleotide variant.
Coding change: c.596-16C>T on transcript NM_000297.4 (MANE Select); 16 bases into the intron before coding-DNA position 596, C replaced by T.
Molecular consequence: intron variant.
Genome position (GRCh38, 1-based): chr4:88,019,442, C>T. VCF-style: chr4-88019442-C-T. GRCh37 (hg19) VCF-style: chr4-88940594-C-T.
Identifiers: ClinVar variation 255796 (VCV000255796.24), dbSNP rs62310565, ClinGen allele CA3003742.